The following continues an entry in ClinVar:

NM_000053.4(ATP7B):c.3955C>T (p.Arg1319Ter)

Gene: ATP7B. ClinVar aggregate classification (germline): Pathogenic. Pathogenic (24).

Submissions 12 to 25 of 25:

Laboratory of Medical Genetics, National & Kapodistrian University of Athens
Classification: Pathogenic for Wilson disease. Last evaluated: 2024-02-01. Review status: criteria provided, single submitter. Criteria: ACMG Guidelines, 2015. Collection method: curation. Allele origin: germline. Affected: no.

Revvity Omics, Revvity
Classification: Pathogenic for Wilson disease. Last evaluated: 2024-01-18. Review status: criteria provided, single submitter. Criteria: ACMG Guidelines, 2015. Collection method: clinical testing. Allele origin: germline.

Mayo Clinic Laboratories, Mayo Clinic
Classification: Pathogenic. Last evaluated: 2022-11-29. Review status: criteria provided, single submitter. Criteria: ACMG Guidelines, 2015. Collection method: clinical testing. Allele origin: germline. Observed: 8 variant alleles.
Comment: PM2_moderate, PVS1

GeneDx
Classification: Pathogenic. Last evaluated: 2021-12-22. Review status: criteria provided, single submitter. Criteria: GeneDx Variant Classification Process June 2021. Collection method: clinical testing. Allele origin: germline. Affected: yes.
Comment: Not observed at significant frequency in large population cohorts (gnomAD); Nonsense variant predicted to result in protein truncation or nonsense mediated decay in a gene for which loss-of-function is a known mechanism of disease; This variant is associated with the following publications: (PMID: 22774841, 8938442, 11472373, 7626145, 8533760, 10544227, 19118915, 18483695, 25497208, 34240825, 25525159, 18371106, 31708252, 34324271, 23333878, 27022412, 23518715, 21796144, 21682854, 20967755, 18034201, 16283883, 31589614, 30556376, 30291343, 32513368)

Genome-Nilou Lab
Classification: Pathogenic for Wilson disease. Last evaluated: 2021-08-10. Review status: criteria provided, single submitter. Criteria: ACMG Guidelines, 2015. Collection method: clinical testing. Allele origin: germline. Affected: no.

Institute for Genomic Medicine, Nationwide Children's Hospital
Classification: Pathogenic for Wilson disease. Last evaluated: 2021-04-20. Review status: criteria provided, single submitter. Criteria: ACMG Guidelines, 2015. Collection method: research. Allele origin: germline. Inheritance: Autosomal recessive inheritance. Affected: yes. Observed: 1 variant allele, 1 compound heterozygote.
Comment: The p.Arg1319* nonsense variant in ATP7B is a well-established pathogenic variant and has been reported in numerous patients to date. It is present at very low frequency in the gnomAD database (MAF<0.0001) and is predicted to truncate a significant portion of the protein. Multiple reputable laboratories have recently reported it as pathogenic. We interpret the variant as pathogenic. In that same experiment, we observed that the p.Arg1319* variant was present in <25% of RNA reads, suggesting that variant transcripts are subject to nonsense-mediated decay.

Laboratory for Molecular Medicine, Mass General Brigham Personalized Medicine
Classification: Pathogenic for Wilson disease. Last evaluated: 2020-06-11. Review status: criteria provided, single submitter. Criteria: ACMG Guidelines, 2015. Collection method: clinical testing. Allele origin: germline.
Comment: The p.Arg1319X variant in ATP7B has been previously reported in >15 probands with Wilson disease, including at least 10 compound heterozygous and three homozygous individuals, and has segregated in 4 affected family members (Coffey 2013, Abdelghaffar 2008, Deguti 2004). This variant has been identified in 0.01% (14/128714) of European chromosomes by gnomAD. This nonsense variant leads to a premature termination codon at position 1319, which is predicted to lead to a truncated or absent protein. Loss of function of the ATP7B gene is an established disease mechanism in autosomal recessive Wilson disease. In summary, this variant meets criteria to be classified as pathogenic for autosomal recessive Wilson disease. ACMG/AMP criteria applied: PVS1, PM3_VeryStrong, PP1_Moderate, PP4.

Genomic Research Center, Shahid Beheshti University of Medical Sciences
Classification: Pathogenic for Wilson disease. Last evaluated: 2017-12-18. Review status: criteria provided, single submitter. Criteria: ACMG Guidelines, 2015. Collection method: clinical testing. Allele origin: inherited.

Fulgent Genetics
Classification: Pathogenic for Wilson disease. Last evaluated: 2017-05-18. Review status: criteria provided, single submitter. Criteria: ACMG Guidelines, 2015. Collection method: clinical testing. Allele origin: unknown.

Ambry Genetics
Classification: Pathogenic for Inborn genetic diseases. Last evaluated: 2015-05-01. Review status: criteria provided, single submitter. Criteria: Ambry Variant Classification Scheme 2023. Collection method: clinical testing. Allele origin: germline.
Comment: The p.R1319* pathogenic mutation (also known as c.3955C>T and p.R1319X), located in coding exon 19 of the ATP7B gene, results from a C to T substitution at nucleotide position 3955. This changes the amino acid from an arginine to a stop codon within coding exon 19. This mutation was identified in the homozygous state in four patients with a clinical diagnosis of Wilson disease and who exhibited lower serum copper levels (Nicastro E et al. J Hepatol. 2009;50(3):555-61). In addition to the clinical data presented in the literature, since premature stop codons are typically deleterious in nature, this alteration is interpreted as a disease-causing mutation (ACMG Recommendations for Standards for Interpretation and Reporting of Sequence Variations. Revision 2007. Genet Med. 2008;10:294).

Genetic Services Laboratory, University of Chicago
Classification: Pathogenic for Wilson disease. Last evaluated: 2013-02-08. Review status: criteria provided, single submitter. Criteria: ACMG Guidelines, 2007. Collection method: clinical testing. Allele origin: germline. Inheritance: Autosomal recessive inheritance. Affected: yes.

Women's Health and Genetics/Laboratory Corporation of America, LabCorp
Classification: Pathogenic for Wilson Disease. Last evaluated: 2011-08-18. Review status: criteria provided, single submitter. Criteria: LabCorp Variant Classification Summary - May 2015. Collection method: curation, clinical testing. Allele origin: germline. Inheritance: autosomal recessive. Affected: yes. Observed: 20 variant alleles.
ClinVar note: Converted during submission from pathogenic to Pathogenic.

Juno Genomics, Hangzhou Juno Genomics, Inc
Classification: Pathogenic for Wilson disease. Review status: criteria provided, single submitter. Criteria: ACMG Guidelines, 2015. Collection method: clinical testing. Allele origin: germline.
Comment: Absent from controls (or at extremely low frequency if recessive) in Genome Aggregation Database.;Null variant in a gene where loss of function (LOF) is a known mechanism of disease.;For recessive disorders, detected in trans with a pathogenic variant.;Patient's phenotype or family history is highly specific for a disease with a single genetic etiology.

Counsyl
Classification: Pathogenic for Wilson disease. Last evaluated: 2015-07-14. Review status: no assertion criteria provided. Collection method: clinical testing. Allele origin: unknown. Not counted in ClinVar's aggregate classification.

Literature cited by the submitters: PubMed 10441329 (cited by Labcorp Genetics (formerly Invitae), Labcorp); PubMed 16283883 (cited by Labcorp Genetics (formerly Invitae), Labcorp); PubMed 893844 (cited by Labcorp Genetics (formerly Invitae), Labcorp); PubMed 7626145 (cited by 5 submitters); PubMed 15024742 (cited by 7 submitters); PubMed 15952988 (cited by 5 submitters); PubMed 18483695 (cited by 6 submitters); PubMed 21682854 (cited by 3 submitters); PubMed 21796144 (cited by 3 submitters); PubMed 23518715 (cited by 5 submitters); PubMed 27022412 (cited by 3 submitters); PubMed 25497208 (cited by Otogenetics and Natera, Inc.); PubMed 29085216 (cited by Otogenetics); PubMed 32513368 (cited by Otogenetics and Victorian Clinical Genetics Services, Murdoch Childrens Research Institute); PubMed 33879678 (cited by Otogenetics); PubMed 39933775 (cited by Otogenetics); PubMed 8533760 (cited by 4 submitters); PubMed 8938442 (cited by 4 submitters); PubMed 9311736 (cited by 4 submitters); PubMed 10544227 (cited by 4 submitters); PubMed 11472373 (cited by 5 submitters); PubMed 16545904 (cited by 3 submitters); PubMed 17897870 (cited by 3 submitters); PubMed 18034201 (cited by 4 submitters); PubMed 18371106 (cited by 3 submitters); PubMed 19118915 (cited by 3 submitters); PubMed 20967755 (cited by 3 submitters); PubMed 23333878 (cited by Color Diagnostics, LLC DBA Color Health and All of Us Research Program, National Institutes of Health); PubMed 31708252 (cited by Color Diagnostics, LLC DBA Color Health and All of Us Research Program, National Institutes of Health); PubMed 3 (cited by Laboratory for Molecular Medicine, Mass General Brigham Personalized Medicine).